The following is an entry in ClinVar:

NM_018429.3(BDP1):c.4482C>T (p.Ser1494=)

Gene: BDP1 (BDP1 general transcription factor IIIB subunit; plus strand). Cytogenetic location: 5q13.2.
Variant type: single nucleotide variant.
Coding change: c.4482C>T on transcript NM_018429.3 (MANE Select); coding-DNA position 4482, C replaced by T.
Protein change: p.Ser1494=; no amino-acid change (serine 1494 retained).
Molecular consequence: synonymous variant.
Genome position (GRCh38, 1-based): chr5:71,514,955, C>T. VCF-style: chr5-71514955-C-T. GRCh37 (hg19) VCF-style: chr5-70810782-C-T.
Identifiers: ClinVar variation 4985861 (VCV004985861.1).

ClinVar aggregate classification (germline): Likely benign (1 of 4 stars; one submission).

Conditions:
BDP1-related disorder. Also called: BDP1-related condition.

gnomAD v4.1: 2 of 1,602,864 alleles (0.00012%); highest among the groups gnomAD compares: Non-Finnish European, 0.00017%; no homozygotes.

Submission:

PreventionGenetics, part of Exact Sciences
Classification: Likely benign for BDP1-related condition. Last evaluated: 2026-07-20. Review status: criteria provided, single submitter. Criteria: ACMG Guidelines, 2015. Collection method: clinical testing. Allele origin: germline.
Comment: This variant is classified as likely benign based on ACMG/AMP sequence variant interpretation guidelines (Richards et al. 2015 PMID: 25741868, with internal and published modifications).